The following is an entry in ClinVar:

ClinVar aggregate classification (germline): Likely pathogenic (0 of 4 stars; one submission).

Conditions:
Autosomal recessive limb-girdle muscular dystrophy type 2B (LGMDR2). Also called: Limb-girdle muscular dystrophy, type 2B; MUSCULAR DYSTROPHY, LIMB-GIRDLE, AUTOSOMAL RECESSIVE 2; MUSCULAR DYSTROPHY, LIMB-GIRDLE, TYPE 3; Limb-Girdle Muscular Dystrophy Type 2B (LGMD2B). Identifiers: Orphanet 268, MedGen C1850889, MONDO:0009676, OMIM 253601.

gnomAD v4.1: 1 of 1,614,208 alleles (0.000062%); highest among the groups gnomAD compares: Non-Finnish European, 0.000085%; no homozygotes.

Submission:

Foundation for Research in Genetics and Endocrinology, FRIGE's Institute of Human Genetics
Classification: Likely pathogenic for Autosomal recessive limb-girdle muscular dystrophy type 2B. Last evaluated: 2017-07-19. Review status: no assertion criteria provided. Collection method: clinical testing. Allele origin: germline. Inheritance: Autosomal recessive inheritance. Affected: yes. Observed: 1 variant allele, 1 compound heterozygote.
Comment: The observed variant c.4701C>G (p.Tye1567Ter) is not reported in 1000 Genomes and ExAC databases. The in silico prediction of the above variant is disease causing by MutationTaster2 and damaging by LRT.

NM_001130987.2(DYSF):c.4701C>G (p.Tyr1567Ter)

Gene: DYSF (dysferlin; plus strand). Cytogenetic location: 2p13.2.
Variant type: single nucleotide variant.
Coding change: c.4701C>G on transcript NM_001130987.2 (MANE Select); coding-DNA position 4701, C replaced by G.
Protein change: p.Tyr1567Ter; replaces tyrosine 1567 with a stop codon.
Molecular consequence: nonsense.
Genome position (GRCh38, 1-based): chr2:71,656,236, C>G. VCF-style: chr2-71656236-C-G. GRCh37 (hg19) VCF-style: chr2-71883366-C-G.
Other names: c.4587C>G, p.Tyr1529Ter (NM_001130455.2); c.4542C>G, p.Tyr1514Ter (NM_001130976.2); c.4605C>G, p.Tyr1535Ter (NM_001130977.2); c.4647C>G, p.Tyr1549Ter (NM_001130978.2); c.4677C>G, p.Tyr1559Ter (NM_001130979.2); c.4635C>G, p.Tyr1545Ter (NM_001130980.2); c.4698C>G, p.Tyr1566Ter (NM_001130981.2); c.4680C>G, p.Tyr1560Ter (NM_001130982.2); and 5 more; short protein forms Y1528*, Y1567*, Y1529*, Y1546*, Y1566*, Y1545*, Y1550*, Y1514*.
Identifiers: ClinVar variation 545008 (VCV000545008.2), dbSNP rs770905160, ClinGen allele CA347219460.